The following is an entry in ClinVar:

ClinVar aggregate classification (germline): Pathogenic/Likely pathogenic. Review status: criteria provided, multiple submitters, no conflicts (2 of 4 stars). 2 submissions from 2 submitters: Pathogenic (1); Likely pathogenic (1). Last evaluated 2024-02-17.

Conditions:
Deficiency of steroid 17-alpha-monooxygenase. Also called: Congenital adrenal hyperplasia due to 17-alpha-hydroxylase deficiency; Congenital adrenal hyperplasia type 5; ADRENAL HYPERPLASIA V; 17-ALPHA-HYDROXYLASE DEFICIENCY; 17-alpha-hydroxylase/17,20-lyase deficiency. Identifiers: Orphanet 90793, MedGen C0268285, MONDO:0008730, OMIM 202110.

Submissions (2):

Baylor Genetics
Classification: Likely pathogenic for Deficiency of steroid 17-alpha-monooxygenase. Last evaluated: 2024-02-17. Review status: criteria provided, single submitter. Criteria: ACMG Guidelines, 2015. Collection method: clinical testing. Allele origin: unknown.

Labcorp Genetics (formerly Invitae), Labcorp
Classification: Pathogenic. Last evaluated: 2023-02-20. Review status: criteria provided, single submitter. Criteria: Invitae Variant Classification Sherloc (09022015). Collection method: clinical testing. Allele origin: germline.
Comment: For these reasons, this variant has been classified as Pathogenic. This variant has not been reported in the literature in individuals affected with CYP17A1-related conditions. This variant is not present in population databases (gnomAD no frequency). This sequence change creates a premature translational stop signal (p.Ala113Argfs*4) in the CYP17A1 gene. It is expected to result in an absent or disrupted protein product. Loss-of-function variants in CYP17A1 are known to be pathogenic (PMID: 10720067, 14747197, 17192295, 20197673, 24140098).

Literature cited by the submitters: PubMed 10720067 (cited by Labcorp Genetics (formerly Invitae), Labcorp); PubMed 14747197 (cited by Labcorp Genetics (formerly Invitae), Labcorp); PubMed 17192295 (cited by Labcorp Genetics (formerly Invitae), Labcorp); PubMed 20197673 (cited by Labcorp Genetics (formerly Invitae), Labcorp); PubMed 24140098 (cited by Labcorp Genetics (formerly Invitae), Labcorp).

NM_000102.4(CYP17A1):c.336dup (p.Ala113fs)

Gene: CYP17A1 (cytochrome P450 family 17 subfamily A member 1; minus strand). Cytogenetic location: 10q24.32.
Variant type: Duplication.
Coding change: c.336dup on transcript NM_000102.4 (MANE Select); coding-DNA position 336, one base duplicated (C; older notation c.336dupC).
Protein change: p.Ala113fs; shifts the reading frame from alanine 113.
Molecular consequence: frameshift variant.
Genome position (GRCh38, 1-based): chr10:102,835,354, G duplicated on the plus strand (C on the coding strand, the reverse complement: CYP17A1 is on the minus strand). VCF-style (leftmost placement, unchanged base first): chr10-102835353-C-CG. GRCh37 (hg19) VCF-style: chr10-104595110-C-CG.
Other names: short protein forms A113fs.
Identifiers: ClinVar variation 2839284 (VCV002839284.4), dbSNP rs2493243222, ClinGen allele CA2739275964.